The following is an entry in ClinVar:

ClinVar aggregate classification (germline): Uncertain significance (1 of 4 stars; one submission).

Conditions:
Inborn genetic diseases. Identifiers: MedGen C0950123, MeSH D030342.

Submission:

Ambry Genetics
Classification: Uncertain significance for Inborn genetic diseases. Last evaluated: 2024-06-18. Review status: criteria provided, single submitter. Criteria: Ambry Variant Classification Scheme 2023. Collection method: clinical testing. Allele origin: germline.
Comment: The p.T1578I variant (also known as c.4733C>T), located in coding exon 27 of the ATR gene, results from a C to T substitution at nucleotide position 4733. The threonine at codon 1578 is replaced by isoleucine, an amino acid with similar properties. This amino acid position is conserved. In addition, this alteration is predicted to be tolerated by in silico analysis. Since supporting evidence is limited at this time, the clinical significance of this alteration remains unclear.

NM_001184.4(ATR):c.4733C>T (p.Thr1578Ile)

Gene: ATR (ATR checkpoint kinase; minus strand). Cytogenetic location: 3q23.
Variant type: single nucleotide variant.
Coding change: c.4733C>T on transcript NM_001184.4 (MANE Select); coding-DNA position 4733, C replaced by T.
Protein change: p.Thr1578Ile; replaces threonine 1578 with isoleucine.
Molecular consequence: missense variant.
Genome position (GRCh38, 1-based): chr3:142,512,379, G>A on the plus strand (C>T on the coding strand, the complement: ATR is on the minus strand). VCF-style: chr3-142512379-G-A. GRCh37 (hg19) VCF-style: chr3-142231221-G-A.
Other names: c.4541C>T, p.Thr1514Ile (NM_001354579.2); short protein forms T1514I, T1578I.
Identifiers: ClinVar variation 1742731 (VCV001742731.3), dbSNP rs2108371938, ClinGen allele CA354795512.